The following is an entry in ClinVar:

ClinVar aggregate classification (germline): Likely benign. Review status: criteria provided, multiple submitters, no conflicts (2 of 4 stars). 3 submissions from 3 submitters: Likely benign (3). Last evaluated 2025-11-28.

Allele frequency attached by ClinVar (database versions not stated): TOPMed 0.00009; ESP Exome Variant Server 0.00016; ExAC 0.00025; gnomAD exomes 0.00020.
gnomAD v4.1: 115 of 1,604,574 alleles (0.0072%); highest among the groups gnomAD compares: Admixed American, 0.085%; no homozygotes.

Submissions (3):

Women's Health and Genetics/Laboratory Corporation of America, LabCorp
Classification: Likely benign. Last evaluated: 2025-11-28. Review status: criteria provided, single submitter. Criteria: LabCorp Variant Classification Summary - May 2015. Collection method: clinical testing. Allele origin: germline.

Labcorp Genetics (formerly Invitae), Labcorp
Classification: Likely benign. Last evaluated: 2024-07-22. Review status: criteria provided, single submitter. Criteria: Invitae Variant Classification Sherloc (09022015). Collection method: clinical testing. Allele origin: germline.

GeneDx
Classification: Likely benign. Last evaluated: 2018-03-02. Review status: criteria provided, single submitter. Criteria: GeneDx Variant Classification (06012015). Collection method: clinical testing. Allele origin: germline. Affected: yes.
Comment: This variant is considered likely benign or benign based on one or more of the following criteria: it is a conservative change, it occurs at a poorly conserved position in the protein, it is predicted to be benign by multiple in silico algorithms, and/or has population frequency not consistent with disease.

NM_016239.4(MYO15A):c.8781C>T (p.Pro2927=)

Gene: MYO15A (myosin XVA; plus strand). Cytogenetic location: 17p11.2.
Variant type: single nucleotide variant.
Coding change: c.8781C>T on transcript NM_016239.4 (MANE Select); coding-DNA position 8781, C replaced by T.
Protein change: p.Pro2927=; no amino-acid change (proline 2927 retained).
Molecular consequence: synonymous variant.
Genome position (GRCh38, 1-based): chr17:18,157,223, C>T. VCF-style: chr17-18157223-C-T. GRCh37 (hg19) VCF-style: chr17-18060537-C-T.
Identifiers: ClinVar variation 515797 (VCV000515797.9), dbSNP rs376495526, ClinGen allele CA8425256.